The following is an entry in ClinVar:

ClinVar aggregate classification (germline): Likely benign (1 of 4 stars; one submission).

Submission:

CeGaT Center for Human Genetics Tuebingen
Classification: Likely benign. Last evaluated: 2025-01-01. Review status: criteria provided, single submitter. Criteria: CeGaT Center For Human Genetics Tuebingen Variant Classification Criteria Version 2. Collection method: clinical testing. Allele origin: germline. Affected: yes. Observed: 1 variant allele.
Comment: KAT8: BP4, BP7

NM_032188.3(KAT8):c.1312+17T>G

Gene: KAT8 (lysine acetyltransferase 8; plus strand). Cytogenetic location: 16p11.2.
Variant type: single nucleotide variant.
Coding change: c.1312+17T>G on transcript NM_032188.3 (MANE Select); 17 bases into the intron after coding-DNA position 1312, T replaced by G.
Molecular consequence: intron variant. On other transcripts: synonymous variant (1).
Genome position (GRCh38, 1-based): chr16:31,130,917, T>G. VCF-style: chr16-31130917-T-G. GRCh37 (hg19) VCF-style: chr16-31142238-T-G.
Other names: c.1329T>G, p.Ala443= (NM_182958.4).
Identifiers: ClinVar variation 3770770 (VCV003770770.13).